The following is an entry in ClinVar:

ClinVar aggregate classification (germline): Uncertain significance. Review status: criteria provided, multiple submitters, no conflicts (2 of 4 stars). 2 submissions from 2 submitters: Uncertain significance (2). Last evaluated 2025-12-16.

Conditions:
Familial thoracic aortic aneurysm and aortic dissection (TAAD). Also called: Thoracic aortic aneurysms and dissections. Identifiers: Orphanet 91387, MedGen C4707243, MONDO:0019625.
FG syndrome (FGS). Identifiers: MedGen C0220769, MONDO:0002010.

Allele frequency attached by ClinVar (database versions not stated): gnomAD exomes below 0.00001.
gnomAD v4.1: 3 of 1,211,636 alleles (0.00025%); highest among the groups gnomAD compares: Non-Finnish European, 0.00034%; no homozygotes.

Submissions (2):

Ambry Genetics
Classification: Uncertain significance for Familial thoracic aortic aneurysm and aortic dissection. Last evaluated: 2025-12-16. Review status: criteria provided, single submitter. Criteria: Ambry Variant Classification Scheme 2023. Collection method: clinical testing. Allele origin: germline.

Labcorp Genetics (formerly Invitae), Labcorp
Classification: Uncertain significance for FG syndrome. Last evaluated: 2025-04-17. Review status: criteria provided, single submitter. Criteria: Invitae Variant Classification Sherloc (09022015). Collection method: clinical testing. Allele origin: germline.
Comment: This sequence change replaces histidine, which is basic and polar, with arginine, which is basic and polar, at codon 2008 of the MED12 protein (p.His2008Arg). This variant is not present in population databases (gnomAD no frequency). This variant has not been reported in the literature in individuals affected with MED12-related conditions. ClinVar contains an entry for this variant (Variation ID: 2887388). Invitae Evidence Modeling of protein sequence and biophysical properties (such as structural, functional, and spatial information, amino acid conservation, physicochemical variation, residue mobility, and thermodynamic stability) indicates that this missense variant is not expected to disrupt MED12 protein function with a negative predictive value of 95%. In summary, the available evidence is currently insufficient to determine the role of this variant in disease. Therefore, it has been classified as a Variant of Uncertain Significance.

NM_005120.3(MED12):c.6023A>G (p.His2008Arg)

Gene: MED12 (mediator complex subunit 12; plus strand). Cytogenetic location: Xq13.1.
Variant type: single nucleotide variant.
Coding change: c.6023A>G on transcript NM_005120.3 (MANE Select); coding-DNA position 6023, A replaced by G.
Protein change: p.His2008Arg; replaces histidine 2008 with arginine.
Molecular consequence: missense variant.
Genome position (GRCh38, 1-based): chrX:71,137,922, A>G. VCF-style: chrX-71137922-A-G. GRCh37 (hg19) VCF-style: chrX-70357772-A-G.
Other names: c.6023A>G (NM_005120.2); short protein forms H2008R.
Identifiers: ClinVar variation 2887388 (VCV002887388.4), dbSNP rs2519715853, ClinGen allele CA413539586.